The following is an entry in ClinVar:

ClinVar aggregate classification (germline): Uncertain significance. Review status: criteria provided, multiple submitters, no conflicts (2 of 4 stars). 3 submissions from 3 submitters: Uncertain significance (3). Last evaluated 2025-01-13.

Conditions:
Hereditary spastic paraplegia 7 (SPG7). Also called: SPASTIC PARAPLEGIA 7, AUTOSOMAL RECESSIVE, WITH OR WITHOUT CEREBELLAR ATAXIA; Spastic paraplegia 7; Hereditary spastic paraplegia Paraplegin type; SPG7-related neurologic disorder; Autosomal recessive spastic paraplegia type 7. Identifiers: Orphanet 99013, MedGen C1846564, MONDO:0011803, OMIM 607259.

Allele frequency attached by ClinVar (database versions not stated): gnomAD exomes 0.00001; ExAC 0.00003; gnomAD 0.00003; TOPMed 0.00005; ESP Exome Variant Server 0.00015.
gnomAD v4.1: 18 of 1,606,180 alleles (0.0011%); highest among the groups gnomAD compares: East Asian, 0.0089%; no homozygotes.

Submissions (3):

GeneDx
Classification: Uncertain significance. Last evaluated: 2025-01-13. Review status: criteria provided, single submitter. Criteria: GeneDx Variant Classification Process June 2021. Collection method: clinical testing. Allele origin: germline.
Comment: Observed as a heterozygous variant in a patient with pure spastic paraplegia in published literature without a second variant identified (PMID: 22571692); In silico analysis indicates that this missense variant does not alter protein structure/function; This variant is associated with the following publications: (PMID: 34715294, 22571692)

Labcorp Genetics (formerly Invitae), Labcorp
Classification: Uncertain significance for Hereditary spastic paraplegia 7. Last evaluated: 2023-05-11. Review status: criteria provided, single submitter. Criteria: Invitae Variant Classification Sherloc (09022015). Collection method: clinical testing. Allele origin: germline.
Comment: This sequence change replaces valine, which is neutral and non-polar, with methionine, which is neutral and non-polar, at codon 549 of the SPG7 protein (p.Val549Met). This variant is present in population databases (rs147706568, gnomAD 0.01%). This missense change has been observed in individual(s) with hereditary spastic paraplegia (PMID: 22571692). Advanced modeling of protein sequence and biophysical properties (such as structural, functional, and spatial information, amino acid conservation, physicochemical variation, residue mobility, and thermodynamic stability) performed at Invitae indicates that this missense variant is not expected to disrupt SPG7 protein function. In summary, the available evidence is currently insufficient to determine the role of this variant in disease. Therefore, it has been classified as a Variant of Uncertain Significance.

Blueprint Genetics
Classification: Uncertain significance. Last evaluated: 2022-11-23. Review status: criteria provided, single submitter. Criteria: ACMG Guidelines, 2015. Collection method: clinical testing. Allele origin: germline.

Literature cited by the submitters: PubMed 22571692 (cited by Labcorp Genetics (formerly Invitae), Labcorp).

NM_003119.4(SPG7):c.1645G>A (p.Val549Met)

Gene: SPG7 (SPG7 matrix AAA peptidase subunit, paraplegin; plus strand). Cytogenetic location: 16q24.3.
Variant type: single nucleotide variant.
Coding change: c.1645G>A on transcript NM_003119.4 (MANE Select); coding-DNA position 1645, G replaced by A.
Protein change: p.Val549Met; replaces valine 549 with methionine.
Molecular consequence: missense variant.
Genome position (GRCh38, 1-based): chr16:89,548,095, G>A. VCF-style: chr16-89548095-G-A. GRCh37 (hg19) VCF-style: chr16-89614503-G-A.
Other names: c.1645G>A, p.Val549Met (NM_001363850.1); c.1645G>A (NM_003119.2); short protein forms V549M.
Identifiers: ClinVar variation 3015348 (VCV003015348.6), dbSNP rs147706568, ClinGen allele CA8244294.